The following is an entry in ClinVar:

NM_052947.4(ALPK2):c.1072G>A (p.Glu358Lys)

Genes: ALPK2 (alpha kinase 2; minus strand), LOC114803473 (ALPK2 eExon liver enhancer; plus strand). Cytogenetic location: 18q21.31.
Variant type: single nucleotide variant.
Coding change: c.1072G>A on transcript NM_052947.4 (MANE Select); coding-DNA position 1072, G replaced by A.
Protein change: p.Glu358Lys; replaces glutamic acid 358 with lysine.
Molecular consequence: missense variant.
Genome position (GRCh38, 1-based): chr18:58,579,704, C>T on the plus strand (G>A on the coding strand, the complement: ALPK2 is on the minus strand). VCF-style: chr18-58579704-C-T. GRCh37 (hg19) VCF-style: chr18-56246936-C-T.
Other names: short protein forms E358K.
Identifiers: ClinVar variation 3228551 (VCV003228551.1), dbSNP rs2518899496, ClinGen allele CA402564851.

ClinVar aggregate classification (germline): Uncertain significance (1 of 4 stars; one submission).

Submission:

Ambry Genetics
Classification: Uncertain significance. Last evaluated: 2023-12-22. Review status: criteria provided, single submitter. Criteria: Ambry Variant Classification Scheme 2023. Collection method: clinical testing. Allele origin: germline.
Comment: The p.E358K variant (also known as c.1072G>A), located in coding exon 3 of the ALPK2 gene, results from a G to A substitution at nucleotide position 1072. The glutamic acid at codon 358 is replaced by lysine, an amino acid with similar properties. This amino acid position is conserved. In addition, the in silico prediction for this alteration is inconclusive. Since supporting evidence is limited at this time, the clinical significance of this alteration remains unclear.